The following is an entry in ClinVar:

NM_012431.3(SEMA3E):c.1803A>C (p.Glu601Asp)

Gene: SEMA3E (semaphorin 3E; minus strand). Cytogenetic location: 7q21.11.
Variant type: single nucleotide variant.
Coding change: c.1803A>C on transcript NM_012431.3 (MANE Select); coding-DNA position 1803, A replaced by C.
Protein change: p.Glu601Asp; replaces glutamic acid 601 with aspartic acid.
Molecular consequence: missense variant.
Genome position (GRCh38, 1-based): chr7:83,385,366, T>G on the plus strand (A>C on the coding strand, the complement: SEMA3E is on the minus strand). VCF-style: chr7-83385366-T-G. GRCh37 (hg19) VCF-style: chr7-83014682-T-G.
Other names: c.1623A>C, p.Glu541Asp (NM_001178129.2); short protein forms E541D, E601D.
Identifiers: ClinVar variation 2060620 (VCV002060620.4), dbSNP rs148962198, ClinGen allele CA4321898.
Genomic context (GRCh38, chr7:83,385,366, plus strand): 5'-TGTCTCACGTCCTTTCTGTACAAACCAGATAACTTTCGCTTGTAAAGATCGTGGGGTACA[T>G]TCCAGCAAAGTACTGTTGTTCTCTATGCCATAAGCCAGATGTTCTTCAGTCTTATCCAAA-3'
Protein context (NP_036563.1, residues 591-611): YGIENNSTLL[Glu601Asp]CTPRSLQAKV

ClinVar aggregate classification (germline): Uncertain significance (1 of 4 stars; one submission).

Conditions:
CHARGE syndrome (CHARGE). Also called: Hittner Hirsch Kreh syndrome; CHARGE ASSOCIATION--COLOBOMA, HEART ANOMALY, CHOANAL ATRESIA, RETARDATION, GENITAL AND EAR ANOMALIES; Coloboma, heart anomaly, choanal atresia, retardation, genital and ear anomalies; CHARGE association; Hall-Hittner syndrome. Identifiers: Orphanet 138, MedGen C0265354, MONDO:0008965.

Allele frequency attached by ClinVar (database versions not stated): ExAC 0.00002; ESP Exome Variant Server 0.00008.
gnomAD v4.1: 4 of 1,613,602 alleles (0.00025%); highest among the groups gnomAD compares: African/African-American, 0.0053%; no homozygotes.

Submission:

Labcorp Genetics (formerly Invitae), Labcorp
Classification: Uncertain significance for CHARGE syndrome. Last evaluated: 2024-10-08. Review status: criteria provided, single submitter. Criteria: Invitae Variant Classification Sherloc (09022015). Collection method: clinical testing. Allele origin: germline.
Comment: This sequence change replaces glutamic acid, which is acidic and polar, with aspartic acid, which is acidic and polar, at codon 601 of the SEMA3E protein (p.Glu601Asp). This variant is present in population databases (rs148962198, gnomAD 0.03%). This variant has not been reported in the literature in individuals affected with SEMA3E-related conditions. ClinVar contains an entry for this variant (Variation ID: 2060620). Invitae Evidence Modeling of protein sequence and biophysical properties (such as structural, functional, and spatial information, amino acid conservation, physicochemical variation, residue mobility, and thermodynamic stability) indicates that this missense variant is not expected to disrupt SEMA3E protein function with a negative predictive value of 80%. In summary, the available evidence is currently insufficient to determine the role of this variant in disease. Therefore, it has been classified as a Variant of Uncertain Significance.